The following is an entry in ClinVar:

ClinVar aggregate classification (germline): Uncertain significance (1 of 4 stars; one submission).

Conditions:
Lynch syndrome. Identifiers: Orphanet 144, MedGen C4552100, MONDO:0005835. Disease mechanism: loss of function.

Submission:

All of Us Research Program, National Institutes of Health
Classification: Uncertain significance for Lynch syndrome. Last evaluated: 2023-11-30. Review status: criteria provided, single submitter. Criteria: ACMG Guidelines, 2015. Collection method: clinical testing. Allele origin: germline. Inheritance: Autosomal dominant inheritance. Observed: 1 variant allele, 1 heterozygote.
Comment: This study involves interpretation of variants in research participants for the purpose of population health screening. Participant phenotype was not available at the time of variant classification. Additional details can be found in publication PMID: 35346344, PMCID: PMC8962531

NM_000179.3(MSH6):c.2740A>T (p.Thr914Ser)

Gene: MSH6 (mutS homolog 6; plus strand). Cytogenetic location: 2p16.3.
Variant type: single nucleotide variant.
Coding change: c.2740A>T on transcript NM_000179.3 (MANE Select); coding-DNA position 2740, A replaced by T.
Protein change: p.Thr914Ser; replaces threonine 914 with serine.
Molecular consequence: missense variant. On other transcripts: non-coding transcript variant (5), intron variant (2).
Genome position (GRCh38, 1-based): chr2:47,800,723, A>T. VCF-style: chr2-47800723-A-T. GRCh37 (hg19) VCF-style: chr2-48027862-A-T.
Other names: c.2350A>T, p.Thr784Ser (NM_001281492.2); c.1834A>T, p.Thr612Ser (NM_001281493.2, NM_001281494.2, NM_001406811.1 and 6 more transcripts); c.2836A>T, p.Thr946Ser (NM_001406795.1, NM_001406802.1); c.2740A>T, p.Thr914Ser (NM_001406796.1, NM_001406798.1, NM_001406800.1 and 2 more transcripts); c.2443A>T, p.Thr815Ser (NM_001406797.1, NM_001406801.1, NM_001406805.1 and 10 more transcripts); c.2215A>T, p.Thr739Ser (NM_001406799.1, NM_001406806.1, NM_001406807.1); c.2662A>T, p.Thr888Ser (NM_001406804.1); c.2746A>T, p.Thr916Ser (NM_001406813.1); and 4 more; short protein forms T229S, T612S, T739S, T784S, T815S, T858S, T888S, T914S.
Identifiers: ClinVar variation 3073989 (VCV003073989.1), dbSNP rs2104421790, ClinGen allele CA346755396.
Genomic context (GRCh38, chr2:47,800,723, plus strand): 5'-CAGACAAAAAATCCTGAAGGTCGTTTTCCTGATTTGACTGTAGAATTGAACCGATGGGAT[A>T]CAGCCTTTGACCATGAAAAGGCTCGAAAGACTGGACTTATTACTCCCAAAGCAGGCTTTG-3'
Protein context (NP_000170.1, residues 904-924): DLTVELNRWD[Thr914Ser]AFDHEKARKT